The following is an entry in ClinVar:

NM_000051.4(ATM):c.1164A>G (p.Lys388=)

Gene: ATM (ATM serine/threonine kinase; plus strand). Cytogenetic location: 11q22.3.
Variant type: single nucleotide variant.
Coding change: c.1164A>G on transcript NM_000051.4 (MANE Select); coding-DNA position 1164, A replaced by G.
Protein change: p.Lys388=; no amino-acid change (lysine 388 retained).
Molecular consequence: synonymous variant.
Genome position (GRCh38, 1-based): chr11:108,249,031, A>G. VCF-style: chr11-108249031-A-G. GRCh37 (hg19) VCF-style: chr11-108119758-A-G.
Other names: c.1164A>G, p.Lys388= (NM_001351834.2).
Identifiers: ClinVar variation 3254062 (VCV003254062.1), dbSNP rs2497211099.

ClinVar aggregate classification (germline): Benign (1 of 4 stars; one submission).

Conditions:
Familial cancer of breast. Also called: BREAST CANCER, FAMILIAL; Hereditary breast cancer; hereditary breast carcinoma. Identifiers: Orphanet 227535, MedGen C0346153, MONDO:0016419, OMIM 114480. Disease mechanism: loss of function.

Submission:

Myriad Genetics, Inc.
Classification: Benign for Familial cancer of breast. Last evaluated: 2024-04-25. Review status: criteria provided, single submitter. Criteria: Myriad Autosomal Dominant, Autosomal Recessive and X-Linked Classification Criteria (2023). Collection method: clinical testing. Allele origin: unknown.
Comment: This variant is considered benign. This variant is a silent/synonymous amino acid change and it is not expected to impact splicing.